The following is an entry in ClinVar:

NM_032043.3(BRIP1):c.3086G>T (p.Ser1029Ile)

Gene: BRIP1 (BRCA1 interacting DNA helicase 1; minus strand). Cytogenetic location: 17q23.2.
Variant type: single nucleotide variant.
Coding change: c.3086G>T on transcript NM_032043.3 (MANE Select); coding-DNA position 3086, G replaced by T.
Protein change: p.Ser1029Ile; replaces serine 1029 with isoleucine.
Molecular consequence: missense variant.
Genome position (GRCh38, 1-based): chr17:61,683,960, C>A on the plus strand (G>T on the coding strand, the complement: BRIP1 is on the minus strand). VCF-style: chr17-61683960-C-A. GRCh37 (hg19) VCF-style: chr17-59761321-C-A.
Other names: short protein forms S1029I.
Identifiers: ClinVar variation 5033403 (VCV005033403.1).

ClinVar aggregate classification (germline): Uncertain significance (1 of 4 stars; one submission).

Conditions:
Hereditary cancer-predisposing syndrome. Also called: Neoplastic Syndromes, Hereditary; Tumor predisposition; Hereditary neoplastic syndrome; Hereditary Cancer Syndrome. Identifiers: Orphanet 140162, MedGen C0027672, MeSH D009386, MONDO:0015356.

Submission:

Ambry Genetics
Classification: Uncertain significance for Hereditary cancer-predisposing syndrome. Last evaluated: 2026-07-06. Review status: criteria provided, single submitter. Criteria: Ambry Variant Classification Scheme 2023. Collection method: clinical testing. Allele origin: germline.
Comment: The p.S1029I variant (also known as c.3086G>T), located in coding exon 19 of the BRIP1 gene, results from a G to T substitution at nucleotide position 3086. The serine at codon 1029 is replaced by isoleucine, an amino acid with dissimilar properties. This amino acid position is conserved. In addition, this alteration is predicted to be tolerated by in silico analysis. Based on the available evidence, the clinical significance of this variant remains unclear.